The following is an entry in ClinVar:

ClinVar aggregate classification (germline): Benign (1 of 4 stars; one submission).

Allele frequency attached by ClinVar (database versions not stated): gnomAD 0.04478 and 0.04782; TOPMed 0.05006; 1000 Genomes Project 0.05471; 1000 Genomes Project 30x 0.05840.
gnomAD v4.1: 6,755 of 152,280 alleles (4.4%); highest among the groups gnomAD compares: African/African-American, 15%; 515 homozygotes.

Submission:

GeneDx
Classification: Benign. Last evaluated: 2018-06-14. Review status: criteria provided, single submitter. Criteria: GeneDx Variant Classification (06012015). Collection method: clinical testing. Allele origin: germline. Affected: yes.
Comment: This variant is considered likely benign or benign based on one or more of the following criteria: it is a conservative change, it occurs at a poorly conserved position in the protein, it is predicted to be benign by multiple in silico algorithms, and/or has population frequency not consistent with disease.

NM_001999.4(FBN2):c.5200+286A>G

Gene: FBN2 (fibrillin 2; minus strand). Cytogenetic location: 5q23.3.
Variant type: single nucleotide variant.
Coding change: c.5200+286A>G on transcript NM_001999.4 (MANE Select); 286 bases into the intron after coding-DNA position 5200, A replaced by G.
Molecular consequence: intron variant.
Genome position (GRCh38, 1-based): chr5:128,309,697, T>C on the plus strand (A>G on the coding strand, the complement: FBN2 is on the minus strand). VCF-style: chr5-128309697-T-C. GRCh37 (hg19) VCF-style: chr5-127645389-T-C.
Identifiers: ClinVar variation 683534 (VCV000683534.1), dbSNP rs10040006, ClinGen allele CA126987743.